The following is an entry in ClinVar:

ClinVar aggregate classification (germline): Pathogenic. Review status: criteria provided, single submitter (1 of 4 stars). 2 submissions from 2 submitters: Pathogenic (1). 1 of the submissions does not count toward it. Last evaluated 2014-01-31.

Conditions:
Familial long QT syndrome (RWS). Also called: Congenital long QT syndrome; Romano-Ward syndrome; VENTRICULAR FIBRILLATION WITH PROLONGED QT INTERVAL. Identifiers: Orphanet 768, MedGen C1141890, MONDO:0019171.

Submissions (2):

GeneDx
Classification: Pathogenic. Last evaluated: 2014-01-31. Review status: criteria provided, single submitter. Criteria: GeneDx Variant Classification (06012015). Collection method: clinical testing. Allele origin: germline. Affected: yes.
Comment: p.Pro596His (CCC>CAC): c.1787 C>A in exon 7 of the KCNH2 gene (NM_000238.2)The P596H mutation in the KCNH2 gene has been reported in a single patient with LQTS, and was not observed in >2,600 reference alleles in the same study (Kapplinger J et al., 2009). Other mutations affecting the same residue ((P596R, P596L, P596T) as well as mutations in nearby residues (G594D, K595E, K595N, Y597C, S599R) have been reported in association with LQTS, further supporting the functional importance of this residue and this region of the protein. Furthermore, the P596H mutation was not observed inapproximately 6,500 individuals of European and African American ancestry in the NHLBI Exome Sequencing Project, indicating it is not a common benign variant in these populations.In summary, P596H in the KCNH2 gene is interpreted as a disease-causing mutation. The variant is found in LQT panel(s).

Cardiovascular Biomedical Research Unit, Royal Brompton & Harefield NHS Foundation Trust
No classification provided. Condition: Familial long QT syndrome. Review status: no classification provided. Collection method: literature only. Allele origin: germline. Not counted in ClinVar's aggregate classification.
Comment: This variant has been reported as associated with Long QT syndrome in the following publications (PMID:19716085). This is a literature report, and does not necessarily reflect the clinical interpretation of the Imperial College / Royal Brompton Cardiovascular Genetics laboratory.

Literature cited by the submitters: PubMed 19716085 (cited by Cardiovascular Biomedical Research Unit, Royal Brompton & Harefield NHS Foundation Trust); PubMed 22581653 (cited by Cardiovascular Biomedical Research Unit, Royal Brompton & Harefield NHS Foundation Trust).

NM_000238.4(KCNH2):c.1787C>A (p.Pro596His)

Gene: KCNH2 (potassium voltage-gated channel subfamily H member 2; minus strand). Cytogenetic location: 7q36.1.
Variant type: single nucleotide variant.
Coding change: c.1787C>A on transcript NM_000238.4 (MANE Select); coding-DNA position 1787, C replaced by A.
Protein change: p.Pro596His; replaces proline 596 with histidine.
Molecular consequence: missense variant.
Genome position (GRCh38, 1-based): chr7:150,951,606, G>T on the plus strand (C>A on the coding strand, the complement: KCNH2 is on the minus strand). VCF-style: chr7-150951606-G-T. GRCh37 (hg19) VCF-style: chr7-150648694-G-T.
Other names: p.P596H:CCC>CAC; c.1787C>A (LRG_288t1); c.767C>A, p.Pro256His (NM_001204798.2, NM_172057.3); c.1499C>A, p.Pro500His (NM_001406753.1, NM_001406756.1); c.1610C>A, p.Pro537His (NM_001406755.1); c.1487C>A, p.Pro496His (NM_001406757.1); c.1787C>A, p.Pro596His (NM_172056.3); short protein forms P256H, P596H, P537H, P496H, P500H.
Identifiers: ClinVar variation 67274 (VCV000067274.4), dbSNP rs199472933, ClinGen allele CA005488.